The following is an entry in ClinVar:

NM_000038.6(APC):c.1620del (p.Leu540fs)

Gene: APC (APC regulator of Wnt signaling pathway; plus strand). Cytogenetic location: 5q22.2.
Variant type: Deletion.
Coding change: c.1620del on transcript NM_000038.6 (MANE Select); coding-DNA position 1620, one base deleted (A; older notation c.1620delA).
Protein change: p.Leu540fs; shifts the reading frame from leucine 540.
Molecular consequence: frameshift variant.
Genome position (GRCh38, 1-based): chr5:112,828,000, A deleted. VCF-style (leftmost placement, unchanged base first): chr5-112827999-TA-T. GRCh37 (hg19) VCF-style: chr5-112163696-TA-T.
Other names: c.1620del, p.Leu540fs (NM_001127510.3, NM_001354895.2); c.1566del, p.Leu522fs (NM_001127511.3); c.1674del, p.Leu558fs (NM_001354896.2); c.1650del, p.Leu550fs (NM_001354897.2); c.1545del, p.Leu515fs (NM_001354898.2); c.1536del, p.Leu512fs (NM_001354899.2); c.1497del, p.Leu499fs (NM_001354900.2); c.1443del, p.Leu481fs (NM_001354901.2); and 5 more; short protein forms L439fs, L449fs, L515fs, L540fs, L558fs, L499fs, L512fs, L257fs.
Identifiers: ClinVar variation 545735 (VCV000545735.3), dbSNP rs1554081921, ClinGen allele CA658760504.

ClinVar aggregate classification (germline): Pathogenic. Review status: criteria provided, multiple submitters, no conflicts (2 of 4 stars). 2 submissions from 2 submitters: Pathogenic (2). Last evaluated 2023-05-02.

Conditions:
Familial adenomatous polyposis 1 (FAP1). Also called: FAMILIAL ADENOMATOUS POLYPOSIS 1, ATTENUATED; POLYPOSIS, ADENOMATOUS INTESTINAL. Identifiers: MedGen C2713442, MONDO:0021056, OMIM 175100. Disease mechanism: loss of function.

Submissions (2):

Myriad Genetics, Inc.
Classification: Pathogenic for Familial adenomatous polyposis 1. Last evaluated: 2023-05-02. Review status: criteria provided, single submitter. Criteria: Myriad Autosomal Dominant, Autosomal Recessive and X-Linked Classification Criteria (2023). Collection method: clinical testing. Allele origin: unknown.
Comment: This variant is considered pathogenic. This variant creates a frameshift predicted to result in premature protein truncation.

GeneDx
Classification: Pathogenic. Last evaluated: 2018-03-19. Review status: criteria provided, single submitter. Criteria: GeneDx Variant Classification (06012015). Collection method: clinical testing. Allele origin: germline. Affected: yes.
Comment: This deletion of one nucleotide in APC is denoted c.1620delA at the cDNA level and p.Leu540PhefsX9 (L540FfsX9) at the protein level. The normal sequence, with the base that is deleted in brackets, is ACTT[delA]CAGC. The deletion causes a frameshift which changes a Leucine to a Phenylalanine at codon 540, and creates a premature stop codon at position 9 of the new reading frame. This variant is predicted to cause loss of normal protein function through either protein truncation or nonsense-mediated mRNA decay. APC c.1620delA has been observed in individuals with familial polyposis (Andreutti-Zaugg 1999, Hutter 2001). We consider this variant to be pathogenic.